The following is an entry in ClinVar:

ClinVar aggregate classification (germline): Uncertain significance (1 of 4 stars; one submission).

Allele frequency attached by ClinVar (database versions not stated): gnomAD exomes below 0.00001.
gnomAD v4.1: 1 of 1,614,156 alleles (0.000062%); highest among the groups gnomAD compares: Non-Finnish European, 0.000085%; no homozygotes.

Submission:

Labcorp Genetics (formerly Invitae), Labcorp
Classification: Uncertain significance. Last evaluated: 2023-02-15. Review status: criteria provided, single submitter. Criteria: Invitae Variant Classification Sherloc (09022015). Collection method: clinical testing. Allele origin: germline.
Comment: This sequence change replaces glutamine, which is neutral and polar, with histidine, which is basic and polar, at codon 1226 of the C3 protein (p.Gln1226His). This variant is present in population databases (no rsID available, gnomAD 0.0009%). This variant has not been reported in the literature in individuals affected with C3-related conditions. Advanced modeling of protein sequence and biophysical properties (such as structural, functional, and spatial information, amino acid conservation, physicochemical variation, residue mobility, and thermodynamic stability) performed at Invitae indicates that this missense variant is not expected to disrupt C3 protein function. In summary, the available evidence is currently insufficient to determine the role of this variant in disease. Therefore, it has been classified as a Variant of Uncertain Significance.

NM_000064.4(C3):c.3678G>C (p.Gln1226His)

Gene: C3 (complement C3; minus strand). Cytogenetic location: 19p13.3.
Variant type: single nucleotide variant.
Coding change: c.3678G>C on transcript NM_000064.4 (MANE Select); coding-DNA position 3678, G replaced by C.
Protein change: p.Gln1226His; replaces glutamine 1226 with histidine.
Molecular consequence: missense variant.
Genome position (GRCh38, 1-based): chr19:6,686,256, C>G on the plus strand (G>C on the coding strand, the complement: C3 is on the minus strand). VCF-style: chr19-6686256-C-G. GRCh37 (hg19) VCF-style: chr19-6686267-C-G.
Other names: short protein forms Q1226H.
Identifiers: ClinVar variation 2780822 (VCV002780822.3), dbSNP rs1233642078, ClinGen allele CA403620066.